The following is an entry in ClinVar:

NM_014633.5(CTR9):c.2926G>A (p.Glu976Lys)

Gene: CTR9 (CTR9 component of Paf1/RNA polymerase II complex; plus strand). Cytogenetic location: 11p15.4.
Variant type: single nucleotide variant.
Coding change: c.2926G>A on transcript NM_014633.5 (MANE Select); coding-DNA position 2926, G replaced by A.
Protein change: p.Glu976Lys; replaces glutamic acid 976 with lysine.
Molecular consequence: missense variant.
Genome position (GRCh38, 1-based): chr11:10,775,247, G>A. VCF-style: chr11-10775247-G-A. GRCh37 (hg19) VCF-style: chr11-10796794-G-A.
Other names: c.2854G>A, p.Glu952Lys (NM_001346279.2); short protein forms E976K, E952K.
Identifiers: ClinVar variation 1045207 (VCV001045207.8), dbSNP rs1863213336, ClinGen allele CA379677951.

ClinVar aggregate classification (germline): Uncertain significance (1 of 4 stars; one submission).

Submission:

Labcorp Genetics (formerly Invitae), Labcorp
Classification: Uncertain significance. Last evaluated: 2020-09-13. Review status: criteria provided, single submitter. Criteria: Invitae Variant Classification Sherloc (09022015). Collection method: clinical testing. Allele origin: germline.
Comment: In summary, the available evidence is currently insufficient to determine the role of this variant in disease. Therefore, it has been classified as a Variant of Uncertain Significance. Algorithms developed to predict the effect of missense changes on protein structure and function (SIFT, PolyPhen-2, Align-GVGD) all suggest that this variant is likely to be tolerated, but these predictions have not been confirmed by published functional studies and their clinical significance is uncertain. This variant has not been reported in the literature in individuals with CTR9-related conditions. This variant is not present in population databases (ExAC no frequency). This sequence change replaces glutamic acid with lysine at codon 976 of the CTR9 protein (p.Glu976Lys). The glutamic acid residue is moderately conserved and there is a small physicochemical difference between glutamic acid and lysine.